The following is an entry in ClinVar:

ClinVar aggregate classification (germline): Uncertain significance (1 of 4 stars; one submission).

Conditions:
Emery-Dreifuss muscular dystrophy 5, autosomal dominant (EDMD5). Also called: EMERY-DREIFUSS MUSCULAR DYSTROPHY 5. Identifiers: Orphanet 261, MedGen C2751805, MONDO:0013072, OMIM 612999.

gnomAD v4.1: 1 of 1,614,222 alleles (0.000062%); highest among the groups gnomAD compares: South Asian, 0.0011%; no homozygotes.

Submission:

Labcorp Genetics (formerly Invitae), Labcorp
Classification: Uncertain significance for Emery-Dreifuss muscular dystrophy 5, autosomal dominant. Last evaluated: 2025-12-10. Review status: criteria provided, single submitter. Criteria: Invitae Variant Classification Sherloc (09022015). Collection method: clinical testing. Allele origin: germline.
Comment: This sequence change replaces asparagine, which is neutral and polar, with serine, which is neutral and polar, at codon 1299 of the SYNE2 protein (p.Asn1299Ser). This variant is present in population databases (rs754533243, gnomAD 0.003%). This variant has not been reported in the literature in individuals affected with SYNE2-related conditions. An algorithm developed to predict the effect of missense changes on protein structure and function outputs the following: PolyPhen-2: "Benign". The serine amino acid residue is found in multiple mammalian species, which suggests that this missense change does not adversely affect protein function. In summary, the available evidence is currently insufficient to determine the role of this variant in disease. Therefore, it has been classified as a Variant of Uncertain Significance.

NM_182914.3(SYNE2):c.3896A>G (p.Asn1299Ser)

Gene: SYNE2 (spectrin repeat containing nuclear envelope protein 2; plus strand). Cytogenetic location: 14q23.2.
Variant type: single nucleotide variant.
Coding change: c.3896A>G on transcript NM_182914.3 (MANE Select); coding-DNA position 3896, A replaced by G.
Protein change: p.Asn1299Ser; replaces asparagine 1299 with serine.
Molecular consequence: missense variant.
Genome position (GRCh38, 1-based): chr14:64,002,829, A>G. VCF-style: chr14-64002829-A-G. GRCh37 (hg19) VCF-style: chr14-64469547-A-G.
Other names: c.3896A>G, p.Asn1299Ser (NM_015180.6); short protein forms N1299S.
Identifiers: ClinVar variation 4732943 (VCV004732943.1).